The following is an entry in ClinVar:

NM_002691.4(POLD1):c.1087A>G (p.Ile363Val)

Gene: POLD1 (DNA polymerase delta 1, catalytic subunit; plus strand). Cytogenetic location: 19q13.33.
Variant type: single nucleotide variant.
Coding change: c.1087A>G on transcript NM_002691.4 (MANE Select); coding-DNA position 1087, A replaced by G.
Protein change: p.Ile363Val; replaces isoleucine 363 with valine.
Molecular consequence: missense variant. On other transcripts: non-coding transcript variant (1).
Genome position (GRCh38, 1-based): chr19:50,403,169, A>G. VCF-style: chr19-50403169-A-G. GRCh37 (hg19) VCF-style: chr19-50906426-A-G.
Other names: c.1087A>G, p.Ile363Val (NM_001256849.1, NM_001308632.1); short protein forms I363V.
Identifiers: ClinVar variation 3421948 (VCV003421948.1).

ClinVar aggregate classification (germline): Uncertain significance (1 of 4 stars; one submission).

Conditions:
Hereditary cancer-predisposing syndrome. Also called: Neoplastic Syndromes, Hereditary; Tumor predisposition; Hereditary Cancer Syndrome; Hereditary neoplastic syndrome. Identifiers: Orphanet 140162, MedGen C0027672, MeSH D009386, MONDO:0015356.

Submission:

Ambry Genetics
Classification: Uncertain significance for Hereditary cancer-predisposing syndrome. Last evaluated: 2024-08-05. Review status: criteria provided, single submitter. Criteria: Ambry Variant Classification Scheme 2023. Collection method: clinical testing. Allele origin: germline.
Comment: The p.I363V variant (also known as c.1087A>G), located in coding exon 8 of the POLD1 gene, results from an A to G substitution at nucleotide position 1087. The isoleucine at codon 363 is replaced by valine, an amino acid with highly similar properties. This amino acid position is conserved. In addition, this alteration is predicted to be tolerated by in silico analysis. Based on the available evidence, the clinical significance of this variant remains unclear.